The following is an entry in ClinVar:

ClinVar aggregate classification (germline): Pathogenic (1 of 4 stars; one submission).

Conditions:
Tay-Sachs disease (TSD). Also called: HEXA DEFICIENCY; GM2 gangliosidosis, type 1; Hexosaminidase alpha-subunit deficiency (variant B); Sphingolipidosis, Tay-Sachs; Hexosaminidase A Deficiency; HEXA Disorders. Identifiers: Orphanet 845, MedGen C0039373, MONDO:0010100, OMIM 272800.

Allele frequency attached by ClinVar (database versions not stated): gnomAD exomes below 0.00001.
gnomAD v4.1: 1 of 1,609,826 alleles (0.000062%); highest among the groups gnomAD compares: Non-Finnish European, 0.000085%; no homozygotes.

Submission:

Labcorp Genetics (formerly Invitae), Labcorp
Classification: Pathogenic for Tay-Sachs disease. Last evaluated: 2023-03-10. Review status: criteria provided, single submitter. Criteria: Invitae Variant Classification Sherloc (09022015). Collection method: clinical testing. Allele origin: germline.
Comment: This missense change has been observed in individual(s) with global developmental delay, cherry red spots on ophthalmology evaluation, and seizures (Invitae). In at least one individual the data is consistent with being in trans (on the opposite chromosome) from a pathogenic variant. This sequence change replaces asparagine, which is neutral and polar, with isoleucine, which is neutral and non-polar, at codon 332 of the HEXA protein (p.Asn332Ile). This variant is not present in population databases (gnomAD no frequency). ClinVar contains an entry for this variant (Variation ID: 1482615). Advanced modeling of protein sequence and biophysical properties (such as structural, functional, and spatial information, amino acid conservation, physicochemical variation, residue mobility, and thermodynamic stability) performed at Invitae indicates that this missense variant is expected to disrupt HEXA protein function. For these reasons, this variant has been classified as Pathogenic.

NM_000520.6(HEXA):c.995A>T (p.Asn332Ile)

Gene: HEXA (hexosaminidase subunit alpha; minus strand). Cytogenetic location: 15q23.
Variant type: single nucleotide variant.
Coding change: c.995A>T on transcript NM_000520.6 (MANE Select); coding-DNA position 995, A replaced by T.
Protein change: p.Asn332Ile; replaces asparagine 332 with isoleucine.
Molecular consequence: missense variant. On other transcripts: non-coding transcript variant (1).
Genome position (GRCh38, 1-based): chr15:72,348,126, T>A on the plus strand (A>T on the coding strand, the complement: HEXA is on the minus strand). VCF-style: chr15-72348126-T-A. GRCh37 (hg19) VCF-style: chr15-72640467-T-A.
Other names: c.1028A>T, p.Asn343Ile (NM_001318825.2); short protein forms N332I, N343I.
Identifiers: ClinVar variation 1482615 (VCV001482615.8), dbSNP rs2140322212, ClinGen allele CA393062002.